The following is an entry in ClinVar:

ClinVar aggregate classification (germline): Uncertain significance (1 of 4 stars; one submission).

Conditions:
Osteogenesis imperfecta type I (OI1). Also called: Lobstein disease; OI, TYPE I; OSTEOGENESIS IMPERFECTA TARDA; OSTEOGENESIS IMPERFECTA WITH BLUE SCLERAE; Osteogenesis imperfecta type 1; Lobstein's Disease. Identifiers: Orphanet 216796, Orphanet 666, MedGen C0023931, MONDO:0008146, OMIM 166200. Disease mechanism: loss of function.
Ehlers-Danlos syndrome, classic type, 1 (EDSCL1). Also called: EDS I; EHLERS-DANLOS SYNDROME, GRAVIS TYPE; EHLERS-DANLOS SYNDROME, SEVERE CLASSIC TYPE; Ehlers-Danlos syndrome, type 1; Ehlers-Danlos Syndrome, Classic Type, COL5A1-Related. Identifiers: MedGen C0268335, MONDO:0019567, OMIM 130000.

Submission:

Labcorp Genetics (formerly Invitae), Labcorp
Classification: Uncertain significance for Osteogenesis imperfecta type I; Ehlers-Danlos syndrome, classic type, 1. Last evaluated: 2025-04-20. Review status: criteria provided, single submitter. Criteria: Invitae Variant Classification Sherloc (09022015). Collection method: clinical testing. Allele origin: germline.
Comment: This sequence change replaces proline, which is neutral and non-polar, with leucine, which is neutral and non-polar, at codon 551 of the COL1A2 protein (p.Pro551Leu). This variant is not present in population databases (gnomAD no frequency). This variant has not been reported in the literature in individuals affected with COL1A2-related conditions. ClinVar contains an entry for this variant (Variation ID: 2925990). Invitae Evidence Modeling of protein sequence and biophysical properties (such as structural, functional, and spatial information, amino acid conservation, physicochemical variation, residue mobility, and thermodynamic stability) indicates that this missense variant is not expected to disrupt COL1A2 protein function with a negative predictive value of 95%. In summary, the available evidence is currently insufficient to determine the role of this variant in disease. Therefore, it has been classified as a Variant of Uncertain Significance.

NM_000089.4(COL1A2):c.1652C>T (p.Pro551Leu)

Gene: COL1A2 (collagen type I alpha 2 chain; plus strand). Cytogenetic location: 7q21.3.
Variant type: single nucleotide variant.
Coding change: c.1652C>T on transcript NM_000089.4 (MANE Select); coding-DNA position 1652, C replaced by T.
Protein change: p.Pro551Leu; replaces proline 551 with leucine.
Molecular consequence: missense variant.
Genome position (GRCh38, 1-based): chr7:94,413,934, C>T. VCF-style: chr7-94413934-C-T. GRCh37 (hg19) VCF-style: chr7-94043246-C-T.
Other names: short protein forms P551L.
Identifiers: ClinVar variation 2925990 (VCV002925990.3), dbSNP rs2484716079, ClinGen allele CA368222299.